The following is an entry in ClinVar:

ClinVar aggregate classification (germline): Benign/Likely benign. Review status: criteria provided, multiple submitters, no conflicts (2 of 4 stars). 3 submissions from 3 submitters: Benign (1); Likely benign (2). Last evaluated 2026-06-17.

Conditions:
Hereditary cancer-predisposing syndrome. Also called: Neoplastic Syndromes, Hereditary; Hereditary neoplastic syndrome; Hereditary Cancer Syndrome; Tumor predisposition. Identifiers: Orphanet 140162, MedGen C0027672, MeSH D009386, MONDO:0015356.
Polyps, multiple and recurrent inflammatory fibroid, gastrointestinal. Identifiers: MedGen C5193005, MONDO:0008285, OMIM 175510.
Gastrointestinal stromal tumor. Also called: Gastrointestinal stromal tumor, somatic; Gastrointestinal stroma tumor. Identifiers: Orphanet 44890, MedGen C0238198, MeSH D046152, MONDO:0011719, OMIM 606764, HP:0100723.

Allele frequency attached by ClinVar (database versions not stated): ExAC 0.00002.
gnomAD v4.1: 13 of 1,613,786 alleles (0.00081%); highest among the groups gnomAD compares: East Asian, 0.027%; no homozygotes.

Submissions (3):

Myriad Genetics, Inc.
Classification: Benign for Polyps, multiple and recurrent inflammatory fibroid, gastrointestinal. Last evaluated: 2026-06-17. Review status: criteria provided, single submitter. Criteria: Myriad Autosomal Dominant, Autosomal Recessive and X-Linked Classification Criteria (2023). Collection method: clinical testing. Allele origin: unknown.
Comment: This variant is considered benign. This variant is a silent/synonymous amino acid change and it is not expected to impact splicing.

Labcorp Genetics (formerly Invitae), Labcorp
Classification: Likely benign for Gastrointestinal stromal tumor. Last evaluated: 2025-10-29. Review status: criteria provided, single submitter. Criteria: Invitae Variant Classification Sherloc (09022015). Collection method: clinical testing. Allele origin: germline.

Ambry Genetics
Classification: Likely benign for Hereditary cancer-predisposing syndrome. Last evaluated: 2022-04-19. Review status: criteria provided, single submitter. Criteria: Ambry Variant Classification Scheme 2023. Collection method: clinical testing. Allele origin: germline.

NM_006206.6(PDGFRA):c.2088C>T (p.His696=)

Gene: PDGFRA (platelet derived growth factor receptor alpha; plus strand). Cytogenetic location: 4q12.
Variant type: single nucleotide variant.
Coding change: c.2088C>T on transcript NM_006206.6 (MANE Select); coding-DNA position 2088, C replaced by T.
Protein change: p.His696=; no amino-acid change (histidine 696 retained).
Molecular consequence: synonymous variant.
Genome position (GRCh38, 1-based): chr4:54,278,447, C>T. VCF-style: chr4-54278447-C-T. GRCh37 (hg19) VCF-style: chr4-55144614-C-T.
Other names: c.2088C>T, p.His696= (NM_001347827.2, NM_001347829.2); c.2163C>T, p.His721= (NM_001347828.2); c.2127C>T, p.His709= (NM_001347830.2).
Identifiers: ClinVar variation 240324 (VCV000240324.14), dbSNP rs765377444, ClinGen allele CA2922746.